The following is an entry in ClinVar:

ClinVar aggregate classification (germline): Uncertain significance. Review status: criteria provided, multiple submitters, no conflicts (2 of 4 stars). 2 submissions from 2 submitters: Uncertain significance (2). Last evaluated 2025-01-03.

Conditions:
Tuberous sclerosis 1 (TSC1). Identifiers: Orphanet 805, MedGen C1854465, MONDO:0008612, OMIM 191100.
Hereditary cancer-predisposing syndrome. Also called: Neoplastic Syndromes, Hereditary; Hereditary Cancer Syndrome; Hereditary neoplastic syndrome; Tumor predisposition. Identifiers: Orphanet 140162, MedGen C0027672, MeSH D009386, MONDO:0015356.

Submissions (2):

Ambry Genetics
Classification: Uncertain significance for Hereditary cancer-predisposing syndrome. Last evaluated: 2025-01-03. Review status: criteria provided, single submitter. Criteria: Ambry Variant Classification Scheme 2023. Collection method: clinical testing. Allele origin: germline.
Comment: The p.E636Q variant (also known as c.1906G>C), located in coding exon 13 of the TSC1 gene, results from a G to C substitution at nucleotide position 1906. The glutamic acid at codon 636 is replaced by glutamine, an amino acid with highly similar properties. This amino acid position is conserved. In addition, the in silico prediction for this alteration is inconclusive. Based on the available evidence, the clinical significance of this variant remains unclear.

Labcorp Genetics (formerly Invitae), Labcorp
Classification: Uncertain significance for Tuberous sclerosis 1. Last evaluated: 2024-06-18. Review status: criteria provided, single submitter. Criteria: Invitae Variant Classification Sherloc (09022015). Collection method: clinical testing. Allele origin: germline.
Comment: This sequence change replaces glutamic acid, which is acidic and polar, with glutamine, which is neutral and polar, at codon 636 of the TSC1 protein (p.Glu636Gln). This variant is not present in population databases (gnomAD no frequency). This variant has not been reported in the literature in individuals affected with TSC1-related conditions. ClinVar contains an entry for this variant (Variation ID: 642800). Advanced modeling of protein sequence and biophysical properties (such as structural, functional, and spatial information, amino acid conservation, physicochemical variation, residue mobility, and thermodynamic stability) performed at Invitae indicates that this missense variant is not expected to disrupt TSC1 protein function with a negative predictive value of 95%. In summary, the available evidence is currently insufficient to determine the role of this variant in disease. Therefore, it has been classified as a Variant of Uncertain Significance.

NM_000368.5(TSC1):c.1906G>C (p.Glu636Gln)

Gene: TSC1 (TSC complex subunit 1; minus strand). Cytogenetic location: 9q34.13.
Variant type: single nucleotide variant.
Coding change: c.1906G>C on transcript NM_000368.5 (MANE Select); coding-DNA position 1906, G replaced by C.
Protein change: p.Glu636Gln; replaces glutamic acid 636 with glutamine.
Molecular consequence: missense variant.
Genome position (GRCh38, 1-based): chr9:132,905,672, C>G on the plus strand (G>C on the coding strand, the complement: TSC1 is on the minus strand). VCF-style: chr9-132905672-C-G. GRCh37 (hg19) VCF-style: chr9-135781059-C-G.
Other names: c.1903G>C, p.Glu635Gln (NM_001162426.2); c.1753G>C, p.Glu585Gln (NM_001162427.2); c.1543G>C, p.Glu515Gln (NM_001362177.2); short protein forms E636Q, E585Q, E635Q, E515Q.
Identifiers: ClinVar variation 642800 (VCV000642800.9), dbSNP rs1588308465, ClinGen allele CA375362770.